The following is an entry in ClinVar:

NM_138927.4(SON):c.1044G>A (p.Ser348=)

Gene: SON (SON DNA and RNA binding protein; plus strand). Cytogenetic location: 21q22.11.
Variant type: single nucleotide variant.
Coding change: c.1044G>A on transcript NM_138927.4 (MANE Select); coding-DNA position 1044, G replaced by A.
Protein change: p.Ser348=; no amino-acid change (serine 348 retained).
Molecular consequence: synonymous variant. On other transcripts: non-coding transcript variant (1), intron variant (1).
Genome position (GRCh38, 1-based): chr21:33,550,275, G>A. VCF-style: chr21-33550275-G-A. GRCh37 (hg19) VCF-style: chr21-34922581-G-A.
Other names: c.1044G>A, p.Ser348= (NM_001291411.2, NM_001412133.1, NM_032195.3 and 2 more transcripts); c.244+3896G>A (NM_001291412.3).
Identifiers: ClinVar variation 1912508 (VCV001912508.11), dbSNP rs144680140, ClinGen allele CA10008799.

ClinVar aggregate classification (germline): Likely benign. Review status: criteria provided, multiple submitters, no conflicts (2 of 4 stars). 2 submissions from 2 submitters: Likely benign (2). Last evaluated 2025-11-05.

Allele frequency attached by ClinVar (database versions not stated): ExAC 0.00001; gnomAD 0.00001; gnomAD exomes 0.00001; TOPMed 0.00002; ESP Exome Variant Server 0.00008.

Submissions (2):

Labcorp Genetics (formerly Invitae), Labcorp
Classification: Likely benign. Last evaluated: 2025-11-05. Review status: criteria provided, single submitter. Criteria: Invitae Variant Classification Sherloc (09022015). Collection method: clinical testing. Allele origin: germline.

CeGaT Center for Human Genetics Tuebingen
Classification: Likely benign. Last evaluated: 2025-11-01. Review status: criteria provided, single submitter. Criteria: CeGaT Center For Human Genetics Tuebingen Variant Classification Criteria Version 2. Collection method: clinical testing. Allele origin: germline. Affected: yes. Observed: 1 variant allele.
Comment: SON: BP4, BP7